The following is an entry in ClinVar:

NM_005618.4(DLL1):c.1260T>C (p.Cys420=)

Gene: DLL1 (delta like canonical Notch ligand 1; minus strand). Cytogenetic location: 6q27.
Variant type: single nucleotide variant.
Coding change: c.1260T>C on transcript NM_005618.4 (MANE Select); coding-DNA position 1260, T replaced by C.
Protein change: p.Cys420=; no amino-acid change (cysteine 420 retained).
Molecular consequence: synonymous variant.
Genome position (GRCh38, 1-based): chr6:170,284,019, A>G on the plus strand (T>C on the coding strand, the complement: DLL1 is on the minus strand). VCF-style: chr6-170284019-A-G. GRCh37 (hg19) VCF-style: chr6-170593107-A-G.
Identifiers: ClinVar variation 2050389 (VCV002050389.8), dbSNP rs546391656, ClinGen allele CA4106875.

ClinVar aggregate classification (germline): Likely benign. Review status: criteria provided, multiple submitters, no conflicts (2 of 4 stars). 2 submissions from 2 submitters: Likely benign (2). Last evaluated 2026-03-01.

Allele frequency attached by ClinVar (database versions not stated): gnomAD 0.00001; gnomAD exomes 0.00001; ExAC 0.00003; TOPMed 0.00003; 1000 Genomes Project 30x 0.00016; 1000 Genomes Project 0.00020.
gnomAD v4.1: 10 of 1,571,866 alleles (0.00064%); highest among the groups gnomAD compares: Admixed American, 0.018%; no homozygotes.

Submissions (2):

CeGaT Center for Human Genetics Tuebingen
Classification: Likely benign. Last evaluated: 2026-03-01. Review status: criteria provided, single submitter. Criteria: CeGaT Center For Human Genetics Tuebingen Variant Classification Criteria Version 2. Collection method: clinical testing. Allele origin: germline. Affected: yes. Observed: 1 variant allele.
Comment: DLL1: BP4, BP7

Labcorp Genetics (formerly Invitae), Labcorp
Classification: Likely benign. Last evaluated: 2022-09-17. Review status: criteria provided, single submitter. Criteria: Invitae Variant Classification Sherloc (09022015). Collection method: clinical testing. Allele origin: germline.